The following is an entry in ClinVar:

NM_001987.5(ETV6):c.1156A>G (p.Arg386Gly)

Gene: ETV6 (ETS variant transcription factor 6; plus strand). Cytogenetic location: 12p13.2.
Variant type: single nucleotide variant.
Coding change: c.1156A>G on transcript NM_001987.5 (MANE Select); coding-DNA position 1156, A replaced by G.
Protein change: p.Arg386Gly; replaces arginine 386 with glycine.
Molecular consequence: missense variant. On other transcripts: intron variant (1).
Genome position (GRCh38, 1-based): chr12:11,885,929, A>G. VCF-style: chr12-11885929-A-G. GRCh37 (hg19) VCF-style: chr12-12038863-A-G.
Other names: c.1153A>G, p.Arg385Gly (NM_001413913.1); c.1129A>G, p.Arg377Gly (NM_001413914.1); c.892A>G, p.Arg298Gly (NM_001413915.1); c.1010-5012A>G (NM_001413917.1); short protein forms R298G, R377G, R385G, R386G.
Identifiers: ClinVar variation 4531384 (VCV004531384.1).

ClinVar aggregate classification (germline): Uncertain significance (1 of 4 stars; one submission).

Conditions:
Thrombocytopenia 5 (THC5). Also called: THROMBOCYTOPENIA 5 WITH INCREASED SUSCEPTIBILITY TO MALIGNANCY; THROMBOCYTOPENIA, AUTOSOMAL DOMINANT, 5. Identifiers: MedGen C4015537, MONDO:0014536, OMIM 616216.

Submission:

Victorian Clinical Genetics Services, Murdoch Childrens Research Institute
Classification: Uncertain significance for Thrombocytopenia 5. Last evaluated: 2025-08-04. Review status: criteria provided, single submitter. Criteria: ACMG Guidelines, 2015. Collection method: clinical testing. Allele origin: germline. Affected: yes.
Comment: This variant is classified as VUS-3A. Evidence in support of pathogenic classification: Variant is absent from gnomAD (v2, v3 and v4); Missense variant in a region that is highly intolerant to missense variation (high constraint region in DECIPHER); Missense variant predicted to be damaging by in silico tool(s) or highly conserved with a major amino acid change. Additional information: Variant is predicted to result in a missense amino acid change from Arg to Gly; This variant is heterozygous; This gene is associated with autosomal dominant disease; This variant has no previous evidence of pathogenicity; No published evidence of segregation with disease has been identified for this variant; No published functional evidence has been identified for this variant; No comparable missense variants have previous evidence for pathogenicity; Dominant negative and loss of function are known mechanisms of disease in this gene and are associated with thrombocytopenia 5 (MIM#616216) (ClinGen, PMID: 25581430, 25807284); Inheritance information for this variant is not currently available in this individual.

Literature cited by the submitters: PubMed 25807284; PubMed 25581430.